The following is an entry in ClinVar:

ClinVar aggregate classification (germline): Uncertain significance (1 of 4 stars; one submission).

Submission:

GeneDx
Classification: Uncertain significance. Last evaluated: 2023-10-04. Review status: criteria provided, single submitter. Criteria: GeneDx Variant Classification Process June 2021. Collection method: clinical testing. Allele origin: germline. Affected: yes.
Comment: Not observed at significant frequency in large population cohorts (gnomAD); Nucleotide substitution has no predicted effect on splicing and is not conserved across species; Has not been previously published as pathogenic or benign to our knowledge; Reported using an alternate transcript of the gene

NM_000115.5(EDNRB):c.-51-995A>T

Genes: EDNRB (endothelin receptor type B; minus strand), LOC107882129 (EDNRB proximal promoter region; plus strand). Cytogenetic location: 13q22.3.
Variant type: single nucleotide variant.
Coding change: c.-51-995A>T on transcript NM_000115.5; 995 bases into the intron before 51 bases upstream of the start codon, A replaced by T.
Molecular consequence: intron variant. On other transcripts: 5 prime UTR variant (1).
Genome position (GRCh38, 1-based): chr13:77,919,619, T>A on the plus strand (A>T on the coding strand, the complement: EDNRB is on the minus strand). VCF-style: chr13-77919619-T-A. GRCh37 (hg19) VCF-style: chr13-78493754-T-A.
Other names: c.-4A>T (NM_001201397.2).
Identifiers: ClinVar variation 3252676 (VCV003252676.1), dbSNP rs202163053.